The following is an entry in ClinVar:

NM_002691.4(POLD1):c.3232A>T (p.Ile1078Phe)

Gene: POLD1 (DNA polymerase delta 1, catalytic subunit; plus strand). Cytogenetic location: 19q13.33.
Variant type: single nucleotide variant.
Coding change: c.3232A>T on transcript NM_002691.4 (MANE Select); coding-DNA position 3232, A replaced by T.
Protein change: p.Ile1078Phe; replaces isoleucine 1078 with phenylalanine.
Molecular consequence: missense variant. On other transcripts: non-coding transcript variant (1).
Genome position (GRCh38, 1-based): chr19:50,417,855, A>T. VCF-style: chr19-50417855-A-T. GRCh37 (hg19) VCF-style: chr19-50921112-A-T.
Other names: c.3232A>T, p.Ile1078Phe (NM_001256849.1); c.3310A>T, p.Ile1104Phe (NM_001308632.1); short protein forms I1104F, I1078F.
Identifiers: ClinVar variation 2133473 (VCV002133473.4), dbSNP rs1060501852, ClinGen allele CA406987704.

ClinVar aggregate classification (germline): Uncertain significance (1 of 4 stars; one submission).

Conditions:
POLD1-related polyposis and colorectal cancer syndrome (CRCS10). Also called: Colorectal cancer 10; COLORECTAL CANCER, SUSCEPTIBILITY TO, ON CHROMOSOME 19q; Colorectal cancer, susceptibility to, 10. Identifiers: Orphanet 220460, MedGen C2675481, MONDO:0012953, OMIM 612591.

Submission:

Labcorp Genetics (formerly Invitae), Labcorp
Classification: Uncertain significance for POLD1-related polyposis and colorectal cancer syndrome. Last evaluated: 2022-05-04. Review status: criteria provided, single submitter. Criteria: Invitae Variant Classification Sherloc (09022015). Collection method: clinical testing. Allele origin: germline.
Comment: In summary, the available evidence is currently insufficient to determine the role of this variant in disease. Therefore, it has been classified as a Variant of Uncertain Significance. Algorithms developed to predict the effect of missense changes on protein structure and function are either unavailable or do not agree on the potential impact of this missense change (SIFT: "Deleterious"; PolyPhen-2: "Probably Damaging"; Align-GVGD: "Class C0"). This variant has not been reported in the literature in individuals affected with POLD1-related conditions. This variant is not present in population databases (gnomAD no frequency). This sequence change replaces isoleucine, which is neutral and non-polar, with phenylalanine, which is neutral and non-polar, at codon 1078 of the POLD1 protein (p.Ile1078Phe).